The following is an entry in ClinVar:

ClinVar aggregate classification (germline): Uncertain significance (1 of 4 stars; one submission).

Conditions:
KMT2B-related disorder. Also called: KMT2B-related disorders; KMT2B-related condition. Identifiers: MedGen CN381338.

Submission:

PreventionGenetics, part of Exact Sciences
Classification: Uncertain significance for KMT2B-related condition. Last evaluated: 2024-12-04. Review status: criteria provided, single submitter. Criteria: ACMG Guidelines, 2015. Collection method: clinical testing. Allele origin: germline.
Comment: The KMT2B c.2846C>G variant is predicted to result in the amino acid substitution p.Pro949Arg. To our knowledge, this variant has not been reported in the literature or in a large population database (gnomAD), indicating this variant is rare. At this time, the clinical significance of this variant is uncertain due to the absence of conclusive functional and genetic evidence.

NM_014727.3(KMT2B):c.2846C>G (p.Pro949Arg)

Gene: KMT2B (lysine methyltransferase 2B; plus strand). Cytogenetic location: 19q13.12.
Variant type: single nucleotide variant.
Coding change: c.2846C>G on transcript NM_014727.3 (MANE Select); coding-DNA position 2846, C replaced by G.
Protein change: p.Pro949Arg; replaces proline 949 with arginine.
Molecular consequence: missense variant.
Genome position (GRCh38, 1-based): chr19:35,723,118, C>G. VCF-style: chr19-35723118-C-G. GRCh37 (hg19) VCF-style: chr19-36214020-C-G.
Other names: short protein forms P949R.
Identifiers: ClinVar variation 4998387 (VCV004998387.1).
Genomic context (GRCh38, chr19:35,723,118, plus strand): 5'-CAGCAGGCCCTGGGGGAGAATCAGAGCCCACAGGTTCTGGAGGGACCCTGGCCCACACAC[C>G]CCGGCGCTCACTGCCCTCCCATCACGGCAAGAAGATGCGCATGGCTCGATGTGGACACTG-3'
Protein context (NP_055542.1, residues 939-959): TGSGGTLAHT[Pro949Arg]RRSLPSHHGK